The following is an entry in ClinVar:

NM_152393.4(KLHL40):c.764A>G (p.Gln255Arg)

Gene: KLHL40 (kelch like family member 40; plus strand). Cytogenetic location: 3p22.1.
Variant type: single nucleotide variant.
Coding change: c.764A>G on transcript NM_152393.4 (MANE Select); coding-DNA position 764, A replaced by G.
Protein change: p.Gln255Arg; replaces glutamine 255 with arginine.
Molecular consequence: missense variant.
Genome position (GRCh38, 1-based): chr3:42,686,382, A>G. VCF-style: chr3-42686382-A-G. GRCh37 (hg19) VCF-style: chr3-42727874-A-G.
Other names: short protein forms Q255R.
Identifiers: ClinVar variation 575376 (VCV000575376.7), dbSNP rs139088361, ClinGen allele CA2336727.
Genomic context (GRCh38, chr3:42,686,382, plus strand): 5'-AAAGCCGCGTGGAGCGCCACCCTCTCGTGCGTGCCCAGCCCGAGTTGCTGCGCAAGGTGC[A>G]GATGGTGAAGGATGCACACGAGGGCCGCATCACCACGCTGCGGAAGAAAAAGAAGGGGAA-3'
Protein context (NP_689606.2, residues 245-265): RAQPELLRKV[Gln255Arg]MVKDAHEGRI

ClinVar aggregate classification (germline): Uncertain significance (1 of 4 stars; one submission).

Conditions:
Nemaline myopathy 8 (NEM8). Also called: Nemaline myopathy 8, autosomal recessive. Identifiers: Orphanet 171430, MedGen C3809209, MONDO:0014138, OMIM 615348.

Allele frequency attached by ClinVar (database versions not stated): gnomAD exomes below 0.00001 and 0.00001; ExAC 0.00002; gnomAD 0.00002; TOPMed 0.00002; ESP Exome Variant Server 0.00015.
gnomAD v4.1: 8 of 1,613,376 alleles (0.0005%); highest among the groups gnomAD compares: African/African-American, 0.0067%; no homozygotes.

Submission:

Labcorp Genetics (formerly Invitae), Labcorp
Classification: Uncertain significance for Nemaline myopathy 8. Last evaluated: 2022-02-10. Review status: criteria provided, single submitter. Criteria: Invitae Variant Classification Sherloc (09022015). Collection method: clinical testing. Allele origin: germline.
Comment: Algorithms developed to predict the effect of missense changes on protein structure and function are either unavailable or do not agree on the potential impact of this missense change (SIFT: "Deleterious"; PolyPhen-2: "Benign"; Align-GVGD: "Class C0"). This variant is present in population databases (rs139088361, gnomAD 0.01%). This variant has not been reported in the literature in individuals affected with KLHL40-related conditions. ClinVar contains an entry for this variant (Variation ID: 575376). Algorithms developed to predict the effect of sequence changes on RNA splicing suggest that this variant may create or strengthen a splice site. In summary, the available evidence is currently insufficient to determine the role of this variant in disease. Therefore, it has been classified as a Variant of Uncertain Significance. This sequence change replaces glutamine, which is neutral and polar, with arginine, which is basic and polar, at codon 255 of the KLHL40 protein (p.Gln255Arg).